The following is an entry in ClinVar:

ClinVar aggregate classification (germline): Likely pathogenic (1 of 4 stars; one submission).

Conditions:
Autosomal recessive limb-girdle muscular dystrophy type 2J (LGMDR10). Also called: MUSCULAR DYSTROPHY, LIMB-GIRDLE, AUTOSOMAL RECESSIVE 10; Limb-girdle muscular dystrophy, type 2J. Identifiers: Orphanet 140922, MedGen C1837342, MONDO:0012127, OMIM 608807.

Submission:

Women's Health and Genetics/Laboratory Corporation of America, LabCorp
Classification: Likely pathogenic for Autosomal recessive limb-girdle muscular dystrophy type 2J. Last evaluated: 2023-04-24. Review status: criteria provided, single submitter. Criteria: LabCorp Variant Classification Summary - May 2015. Collection method: clinical testing. Allele origin: germline.
Comment: Variant summary: TTN c.44863delC (p.Leu14955PhefsX2) results in a premature termination codon, predicted to cause a truncation of the encoded protein or absence of the protein due to nonsense mediated decay, which are commonly known mechanisms for disease. Variants downstream of this position have been classified as likely pathogenic in ClinVar and associated with Llimb Girdle Muscular Dystrophy Type 2J and cardiomyopathy in HGMD. The variant was absent in 247128 control chromosomes. To our knowledge, no occurrence of c.44863delC in individuals affected with Limb-Girdle Muscular Dystrophy, Type 2J and no experimental evidence demonstrating its impact on protein function have been reported. No clinical diagnostic laboratories have submitted clinical-significance assessments for this variant to ClinVar after 2014. Based on the evidence outlined above, the variant was classified as likely pathogenic.

NM_001267550.2(TTN):c.52567del (p.Leu17523fs)

Genes: TTN (titin; minus strand), TTN-AS1 (TTN antisense RNA 1; plus strand), LOC126806425 (BRD4-independent group 4 enhancer GRCh37_chr2:179471933-179473132; plus strand). Cytogenetic location: 2q31.2.
Variant type: Deletion.
Coding change: c.52567del on transcript NM_001267550.2 (MANE Select); coding-DNA position 52567, one base deleted (C; older notation c.52567delC).
Protein change: p.Leu17523fs; shifts the reading frame from leucine 17523.
Molecular consequence: frameshift variant.
Genome position (GRCh38, 1-based): chr2:178,608,316, G deleted on the plus strand (C on the coding strand, the reverse complement: TTN is on the minus strand); the first of 2 consecutive G bases (chr2:178,608,316-178,608,317); deleting either gives the same sequence. VCF-style (leftmost placement, unchanged base first): chr2-178608315-AG-A. GRCh37 (hg19) VCF-style: chr2-179473042-AG-A.
Other names: c.44863delC (NM_133378.4); c.47644del, p.Leu15882fs (NM_001256850.1); c.25372del, p.Leu8458fs (NM_003319.4); c.44863del, p.Leu14955fs (NM_133378.4); c.25747del, p.Leu8583fs (NM_133432.3); c.25948del, p.Leu8650fs (NM_133437.4); short protein forms L14955fs, L15882fs, L17523fs, L8458fs, L8583fs, L8650fs.
Identifiers: ClinVar variation 2503848 (VCV002503848.1), dbSNP rs2470330299, ClinGen allele CA2580614493.
Genomic context (GRCh38, chr2:178,608,315, plus strand): 5'-CTGAAGACATAGGTGAGTCCTTCTAATAAGCCATCTACATTGGCTTTCAAGGCATTCAGA[AG>A]GCTTTTGTTGACACGAGACCAATGTGTACTGTTAACTTCACGTTTTTCAAGCCAGTAACC-3'